The following is an entry in ClinVar:

ClinVar aggregate classification (germline): Uncertain significance (1 of 4 stars; one submission).

Conditions:
Hereditary cancer-predisposing syndrome. Also called: Neoplastic Syndromes, Hereditary; Tumor predisposition; Hereditary Cancer Syndrome; Hereditary neoplastic syndrome. Identifiers: Orphanet 140162, MedGen C0027672, MeSH D009386, MONDO:0015356.

Submission:

Ambry Genetics
Classification: Uncertain significance for Hereditary cancer-predisposing syndrome. Last evaluated: 2021-07-24. Review status: criteria provided, single submitter. Criteria: Ambry Variant Classification Scheme 2023. Collection method: clinical testing. Allele origin: germline.
Comment: The p.A992V variant (also known as c.2975C>T), located in coding exon 21 of the MSH3 gene, results from a C to T substitution at nucleotide position 2975. The alanine at codon 992 is replaced by valine, an amino acid with similar properties. This amino acid position is conserved. In addition, this alteration is predicted to be deleterious by in silico analysis. Since supporting evidence is limited at this time, the clinical significance of this alteration remains unclear.

NM_002439.5(MSH3):c.2975C>T (p.Ala992Val)

Gene: MSH3 (mutS homolog 3; plus strand). Cytogenetic location: 5q14.1.
Variant type: single nucleotide variant.
Coding change: c.2975C>T on transcript NM_002439.5 (MANE Select); coding-DNA position 2975, C replaced by T.
Protein change: p.Ala992Val; replaces alanine 992 with valine.
Molecular consequence: missense variant.
Genome position (GRCh38, 1-based): chr5:80,854,291, C>T. VCF-style: chr5-80854291-C-T. GRCh37 (hg19) VCF-style: chr5-80150110-C-T.
Other names: short protein forms A992V.
Identifiers: ClinVar variation 1798325 (VCV001798325.2), dbSNP rs2112106638, ClinGen allele CA360275811.
Genomic context (GRCh38, chr5:80,854,291, plus strand): 5'-TTATCTTGGATGAACTAGGAAGAGGGACGAGCACTCATGATGGAATTGCCATTGCCTATG[C>T]TACACTTGAGTATTTCATCAGAGATGTAAGTATCCGGTAAACTGTATTTAAAAAGAAATT-3'
Protein context (NP_002430.3, residues 982-1002): STHDGIAIAY[Ala992Val]TLEYFIRDVK